The following is an entry in ClinVar:

NC_000012.11:g.(122295339_122295710)_(122295726_122296592)del

Gene: HPD (4-hydroxyphenylpyruvate dioxygenase; minus strand). Cytogenetic location: 12q24.31.
Variant type: Deletion.
Identifiers: ClinVar variation 2503982 (VCV002503982.1).

ClinVar aggregate classification (germline): Likely pathogenic (1 of 4 stars; one submission).

Conditions:
Tyrosinemia type III. Also called: 4-HYDROXYPHENYLPYRUVIC ACID OXIDASE DEFICIENCY; Tyrosinemia type 3; 4-alpha hydroxyphenylpyruvic acid oxidase deficiency; 4-alpha hydroxyphenylpyruvate dioxygenase deficiency; 4-Hydroxyphenylpyruvate dioxygenase deficiency. Identifiers: Orphanet 69723, MedGen C0268623, MONDO:0010162, OMIM 276710.

Submission:

Women's Health and Genetics/Laboratory Corporation of America, LabCorp
Classification: Likely pathogenic for Tyrosinemia type III. Last evaluated: 2023-04-18. Review status: criteria provided, single submitter. Criteria: LabCorp Variant Classification Summary - May 2015. Collection method: clinical testing. Allele origin: germline.
Comment: Variant summary: The variant identified by MLPA or other technology involves the deletion of part of exon 3 in the HPD gene. A presumed nomenclature of c.(30+1_31-1)_(46_94-1)del has been designated for the purposes of this classification. Although exact breakpoints of this deletion are not known, it includes a canonical splice-site and is expected to lead to a loss-of-function in the HPD gene, a known mechanism of disease. The variant was absent in 19744 control chromosomes (gnomAD, structural variants dataset). To our knowledge, no occurrence of c.(30+1_31-1)_(46_94-1)del in individuals affected with Tyrosinemia Type 3 and no experimental evidence demonstrating its impact on protein function have been reported. No clinical diagnostic laboratories have submitted clinical-significance assessments for this variant to ClinVar after 2014. Based on the evidence outlined above, the variant was classified as likely pathogenic.